The following is an entry in ClinVar:

NM_003640.5(ELP1):c.3708A>G (p.Val1236=)

Gene: ELP1 (elongator acetyltransferase complex subunit 1; minus strand). Cytogenetic location: 9q31.3.
Variant type: single nucleotide variant.
Coding change: c.3708A>G on transcript NM_003640.5 (MANE Select); coding-DNA position 3708, A replaced by G.
Protein change: p.Val1236=; no amino-acid change (valine 1236 retained).
Molecular consequence: synonymous variant.
Genome position (GRCh38, 1-based): chr9:108,878,142, T>C on the plus strand (A>G on the coding strand, the complement: ELP1 is on the minus strand). VCF-style: chr9-108878142-T-C. GRCh37 (hg19) VCF-style: chr9-111640422-T-C.
Other names: p.Val1236=; c.3366A>G, p.Val1122= (NM_001318360.2); c.2661A>G, p.Val887= (NM_001330749.2).
Identifiers: ClinVar variation 697685 (VCV000697685.31), dbSNP rs368761085, ClinGen allele CA5174202.

ClinVar aggregate classification (germline): Likely benign. Review status: criteria provided, multiple submitters, no conflicts (2 of 4 stars). 6 submissions from 6 submitters: Likely benign (6). Last evaluated 2026-09-01.

Conditions:
Familial dysautonomia. Also called: FD; HSAN III. Identifiers: Orphanet 1764, MedGen C0013364, MONDO:0009131, OMIM 223900. Disease mechanism: loss of function.

Allele frequency attached by ClinVar (database versions not stated): ESP Exome Variant Server 0.00008; ExAC 0.00009; gnomAD 0.00010 and 0.00011; gnomAD exomes 0.00010; TOPMed 0.00013.
gnomAD v4.1: 106 of 1,606,552 alleles (0.0066%); highest among the groups gnomAD compares: Middle Eastern, 0.12%; no homozygotes.

Submissions (6):

CeGaT Center for Human Genetics Tuebingen
Classification: Likely benign. Last evaluated: 2026-09-01. Review status: criteria provided, single submitter. Criteria: CeGaT Center For Human Genetics Tuebingen Variant Classification Criteria Version 2. Collection method: clinical testing. Allele origin: germline. Affected: yes. Observed: 2 variant alleles.
Comment: ELP1: BP4, BP7

Labcorp Genetics (formerly Invitae), Labcorp
Classification: Likely benign. Last evaluated: 2026-01-17. Review status: criteria provided, single submitter. Criteria: Invitae Variant Classification Sherloc (09022015). Collection method: clinical testing. Allele origin: germline.

Mayo Clinic Laboratories, Mayo Clinic
Classification: Likely benign. Last evaluated: 2024-12-21. Review status: criteria provided, single submitter. Criteria: ACMG Guidelines, 2015. Collection method: clinical testing. Allele origin: germline. Observed: 2 variant alleles.
Comment: BP4, BP7

Blueprint Genetics
Classification: Likely benign. Last evaluated: 2024-11-27. Review status: criteria provided, single submitter. Criteria: ACMG Guidelines, 2015. Collection method: clinical testing. Allele origin: germline.

Ambry Genetics
Classification: Likely benign. Last evaluated: 2023-05-12. Review status: criteria provided, single submitter. Criteria: Ambry Variant Classification Scheme 2023. Collection method: clinical testing. Allele origin: germline.

Genome-Nilou Lab
Classification: Likely benign for Familial dysautonomia. Last evaluated: 2021-07-14. Review status: criteria provided, single submitter. Criteria: ACMG Guidelines, 2015. Collection method: clinical testing. Allele origin: germline. Affected: no.